The following is an entry in ClinVar:

ClinVar aggregate classification (germline): Uncertain significance (1 of 4 stars; one submission).

Conditions:
Developmental and epileptic encephalopathy, 25 (DEE25). Also called: Epileptic encephalopathy, early infantile, 25; Developmental and epileptic encephalopathy 25, with amelogenesis imperfecta; Epileptic encephalopathy, early infantile, 25, with amelogenesis imperfecta. Identifiers: Orphanet 442835, MedGen C4014621, MONDO:0014392, OMIM 615905.

Allele frequency attached by ClinVar (database versions not stated): gnomAD 0.00001; TOPMed 0.00001; gnomAD exomes below 0.00001; ExAC 0.00001.
gnomAD v4.1: 8 of 1,613,668 alleles (0.0005%); highest among the groups gnomAD compares: African/African-American, 0.0027%; no homozygotes.

Submission:

Labcorp Genetics (formerly Invitae), Labcorp
Classification: Uncertain significance for Developmental and epileptic encephalopathy, 25. Last evaluated: 2022-03-18. Review status: criteria provided, single submitter. Criteria: Invitae Variant Classification Sherloc (09022015). Collection method: clinical testing. Allele origin: germline.
Comment: This sequence change replaces isoleucine, which is neutral and non-polar, with threonine, which is neutral and polar, at codon 369 of the SLC13A5 protein (p.Ile369Thr). This variant is present in population databases (rs773383980, gnomAD 0.004%). This variant has not been reported in the literature in individuals affected with SLC13A5-related conditions. Algorithms developed to predict the effect of missense changes on protein structure and function (SIFT, PolyPhen-2, Align-GVGD) all suggest that this variant is likely to be tolerated. In summary, the available evidence is currently insufficient to determine the role of this variant in disease. Therefore, it has been classified as a Variant of Uncertain Significance.

NM_177550.5(SLC13A5):c.1106T>C (p.Ile369Thr)

Gene: SLC13A5 (solute carrier family 13 member 5; minus strand). Cytogenetic location: 17p13.1.
Variant type: single nucleotide variant.
Coding change: c.1106T>C on transcript NM_177550.5 (MANE Select); coding-DNA position 1106, T replaced by C.
Protein change: p.Ile369Thr; replaces isoleucine 369 with threonine.
Molecular consequence: missense variant.
Genome position (GRCh38, 1-based): chr17:6,694,147, A>G on the plus strand (T>C on the coding strand, the complement: SLC13A5 is on the minus strand). VCF-style: chr17-6694147-A-G. GRCh37 (hg19) VCF-style: chr17-6597466-A-G.
Other names: c.1106T>C, p.Ile369Thr (NM_001143838.3); c.1055T>C, p.Ile352Thr (NM_001284509.2); c.977T>C, p.Ile326Thr (NM_001284510.2); short protein forms I352T, I369T, I326T.
Identifiers: ClinVar variation 1346669 (VCV001346669.6), dbSNP rs773383980, ClinGen allele CA8331512.